The following is an entry in ClinVar:

ClinVar aggregate classification (germline): Conflicting classifications of pathogenicity. Review status: criteria provided, conflicting classifications (1 of 4 stars). 2 submissions from 2 submitters: Uncertain significance (1); Likely benign (1). Last evaluated 2025-12-16.

Conditions:
TRPM1-related disorder. Also called: TRPM1-related condition.

Allele frequency attached by ClinVar (database versions not stated): ExAC 0.00001.
gnomAD v4.1: 6 of 1,610,956 alleles (0.00037%); highest among the groups gnomAD compares: African/African-American, 0.0027%; no homozygotes.

Submissions (2):

PreventionGenetics, part of Exact Sciences
Classification: Likely benign for TRPM1-related condition. Last evaluated: 2025-12-16. Review status: criteria provided, single submitter. Criteria: ACMG Guidelines, 2015. Collection method: clinical testing. Allele origin: germline.
Comment: This variant is classified as likely benign based on ACMG/AMP sequence variant interpretation guidelines (Richards et al. 2015 PMID: 25741868, with internal and published modifications).

Labcorp Genetics (formerly Invitae), Labcorp
Classification: Uncertain significance. Last evaluated: 2022-08-23. Review status: criteria provided, single submitter. Criteria: Invitae Variant Classification Sherloc (09022015). Collection method: clinical testing. Allele origin: germline.
Comment: Variants that disrupt the consensus splice site are a relatively common cause of aberrant splicing (PMID: 17576681, 9536098). Algorithms developed to predict the effect of sequence changes on RNA splicing suggest that this variant is not likely to affect RNA splicing. In summary, the available evidence is currently insufficient to determine the role of this variant in disease. Therefore, it has been classified as a Variant of Uncertain Significance. This variant has not been reported in the literature in individuals affected with TRPM1-related conditions. ClinVar contains an entry for this variant (Variation ID: 1404074). The frequency data for this variant in the population databases is considered unreliable, as metrics indicate poor data quality at this position in the gnomAD database. This sequence change falls in intron 26 of the TRPM1 gene. It does not directly change the encoded amino acid sequence of the TRPM1 protein. It affects a nucleotide within the consensus splice site.

Literature cited by the submitters: PubMed 17576681 (cited by Labcorp Genetics (formerly Invitae), Labcorp); PubMed 9536098 (cited by Labcorp Genetics (formerly Invitae), Labcorp).

NM_001252024.2(TRPM1):c.3629+4C>T

Genes: TRPM1 (transient receptor potential cation channel subfamily M member 1; minus strand), LOC126862088 (BRD4-independent group 4 enhancer GRCh37_chr15:31318084-31319283; plus strand). Cytogenetic location: 15q13.3.
Variant type: single nucleotide variant.
Coding change: c.3629+4C>T on transcript NM_001252024.2 (MANE Select); 4 bases into the intron after coding-DNA position 3629, C replaced by T.
Molecular consequence: intron variant.
Genome position (GRCh38, 1-based): chr15:31,026,135, G>A on the plus strand (C>T on the coding strand, the complement: TRPM1 is on the minus strand). VCF-style: chr15-31026135-G-A. GRCh37 (hg19) VCF-style: chr15-31318338-G-A.
Other names: c.3680+4C>T (NM_001252020.1, NM_001252020.2); c.3563+4C>T (NM_002420.6).
Identifiers: ClinVar variation 1404074 (VCV001404074.6), dbSNP rs768889606, ClinGen allele CA7451823.
Genomic context (GRCh38, chr15:31,026,135, plus strand): 5'-GAGTGGGGCGCCCGAGTCAGCAAACCCTTGGCTCACGGGCCCGCGGTGGGGACGCTACAC[G>A]TACCTTTCAGAAGTGACCCGGATGCGCTCGTCGCTGGACGACTGCTGCTCATCCTCCTTC-3'